The following is an entry in ClinVar:

NM_000352.6(ABCC8):c.1617T>A (p.Tyr539Ter)

Gene: ABCC8 (ATP binding cassette subfamily C member 8; minus strand). Cytogenetic location: 11p15.1.
Variant type: single nucleotide variant.
Coding change: c.1617T>A on transcript NM_000352.6 (MANE Select); coding-DNA position 1617, T replaced by A.
Protein change: p.Tyr539Ter; replaces tyrosine 539 with a stop codon.
Molecular consequence: nonsense. On other transcripts: non-coding transcript variant (1).
Genome position (GRCh38, 1-based): chr11:17,442,733, A>T on the plus strand (T>A on the coding strand, the complement: ABCC8 is on the minus strand). VCF-style: chr11-17442733-A-T. GRCh37 (hg19) VCF-style: chr11-17464280-A-T.
Other names: c.1617T>A, p.Tyr539Ter (NM_001287174.3, NM_001351295.2); c.1614T>A, p.Tyr538Ter (NM_001351296.2, NM_001351297.2); short protein forms Y538*, Y539*.
Identifiers: ClinVar variation 1069205 (VCV001069205.13), dbSNP rs1591832463, ClinGen allele CA379766350.

ClinVar aggregate classification (germline): Pathogenic. Review status: criteria provided, multiple submitters, no conflicts (2 of 4 stars). 5 submissions from 4 submitters: Pathogenic (3). 2 of the submissions do not count toward it. Last evaluated 2022-08-17.

Conditions:
Maturity-onset diabetes of the young (MODY). Also called: Maturity onset diabetes mellitus in young. Identifiers: Orphanet 552, MedGen C0342276, MONDO:0018911, HP:0004904.
Type 2 diabetes mellitus. Also called: Type II diabetes mellitus. Identifiers: MedGen C0011860, MeSH D003924, MONDO:0005148, OMIM 125853, HP:0005978.
Neonatal diabetes mellitus (NDM). Identifiers: Orphanet 224, MedGen C0158981, MONDO:0016391.
Familial hyperinsulinism. Also called: Congenital hyperinsulinism. Identifiers: Orphanet 276525, MedGen C3888018, MONDO:0017182. Disease mechanism: loss of function.

Allele frequency attached by ClinVar (database versions not stated): TOPMed below 0.00001.

Submissions (5):

Baylor Genetics
Classification: Pathogenic for Type 2 diabetes mellitus. Last evaluated: 2022-08-17. Review status: criteria provided, single submitter. Criteria: ACMG Guidelines, 2015. Collection method: clinical testing. Allele origin: unknown.

Labcorp Genetics (formerly Invitae), Labcorp
Classification: Pathogenic. Last evaluated: 2022-06-27. Review status: criteria provided, single submitter. Criteria: Invitae Variant Classification Sherloc (09022015). Collection method: clinical testing. Allele origin: germline.
Comment: This sequence change creates a premature translational stop signal (p.Tyr539*) in the ABCC8 gene. It is expected to result in an absent or disrupted protein product. Loss-of-function variants in ABCC8 are known to be pathogenic (PMID: 20685672, 23345197). For these reasons, this variant has been classified as Pathogenic. ClinVar contains an entry for this variant (Variation ID: 1069205). This premature translational stop signal has been observed in individual(s) with autosomal recessive diffuse or paternally inherited focal hyperinsulinism (PMID: 23275527, 23506826, 24401662, 28442472). This variant is not present in population databases (gnomAD no frequency).

Women's Health and Genetics/Laboratory Corporation of America, LabCorp
Classification: Pathogenic for Familial hyperinsulinism. Last evaluated: 2022-01-29. Review status: criteria provided, single submitter. Criteria: LabCorp Variant Classification Summary - May 2015. Collection method: clinical testing. Allele origin: germline.
Comment: Variant summary: ABCC8 c.1617T>A (p.Tyr539X) results in a premature termination codon, predicted to cause a truncation of the encoded protein or absence of the protein due to nonsense mediated decay, which are commonly known mechanisms for disease. Truncations downstream of this position have been classified as pathogenic by our laboratory. The variant was absent in 251254 control chromosomes. c.1617T>A has been reported in the literature in individuals affected with focal and diffuse forms of congenital hyperinsulinism (example, Snider_2013, Faltera_2013, Mohnike_2014, Li_2017) These data indicate that the variant is likely to be associated with disease. One clinical diagnostic laboratory has submitted clinical-significance assessments for this variant to ClinVar after 2014 classified the variant as pathogenic. Based on the evidence outlined above, the variant was classified as pathogenic.

Clinical Genomics, Uppaluri K&H Personalized Medicine Clinic
Classification: Uncertain risk allele for Neonatal diabetes mellitus. Last evaluated: 2024-05-27. Review status: flagged submission. Criteria: K And H Uppaluri Personalized Medicine Clinic Variant Classification And Assertion Criteria Updated V 2. Collection method: research. Allele origin: unknown. Not counted in ClinVar's aggregate classification.
Comment: This variant is found to be a potent Low impact, variant with a CADD score of 36 and sufficient scientific evidence of gene-disease correlation. However, since this is not a high impact variant and no variant evidence, this variant is reclassified as Uncertain risk allele.
ClinVar note: Reason: Outlier claim with insufficient supporting evidence

Clinical Genomics, Uppaluri K&H Personalized Medicine Clinic
Classification: Uncertain significance for Maturity-onset diabetes of the young. Review status: flagged submission. Criteria: K & H Uppaluri Personalized Medicine Clinic Variant Classification & Assertion Criteria_Updated V.1. Collection method: research. Allele origin: unknown. Inheritance: Somatic mutation. Not counted in ClinVar's aggregate classification.
Comment: Mutations in ABCC8 gene are associated with both neonatal diabetes mellitus as well as MODY. Patients with this mutation may have a better response to sulfonylureas. However, no sufficient evidence is found to ascertain the role of this particular variant (rs1591832463) in MODY yet.
ClinVar note: Reason: Outlier claim with insufficient supporting evidence

Literature cited by the submitters: PubMed 20685672 (cited by Labcorp Genetics (formerly Invitae), Labcorp); PubMed 23345197 (cited by Labcorp Genetics (formerly Invitae), Labcorp); PubMed 23275527 (cited by Labcorp Genetics (formerly Invitae), Labcorp and Women's Health and Genetics/Laboratory Corporation of America, LabCorp); PubMed 23506826 (cited by Labcorp Genetics (formerly Invitae), Labcorp and Women's Health and Genetics/Laboratory Corporation of America, LabCorp); PubMed 24401662 (cited by Labcorp Genetics (formerly Invitae), Labcorp and Women's Health and Genetics/Laboratory Corporation of America, LabCorp); PubMed 28442472 (cited by Labcorp Genetics (formerly Invitae), Labcorp and Women's Health and Genetics/Laboratory Corporation of America, LabCorp); PubMed 32376986 (cited by Clinical Genomics, Uppaluri K&H Personalized Medicine Clinic); PubMed 20922570 (cited by Clinical Genomics, Uppaluri K&H Personalized Medicine Clinic); PubMed 17389331 (cited by Clinical Genomics, Uppaluri K&H Personalized Medicine Clinic); PubMed 17919176 (cited by Clinical Genomics, Uppaluri K&H Personalized Medicine Clinic); PubMed 21738553 (cited by Clinical Genomics, Uppaluri K&H Personalized Medicine Clinic); PubMed 33013711 (cited by Clinical Genomics, Uppaluri K&H Personalized Medicine Clinic); PubMed 16885549 (cited by Clinical Genomics, Uppaluri K&H Personalized Medicine Clinic); PubMed 21989597 (cited by Clinical Genomics, Uppaluri K&H Personalized Medicine Clinic); PubMed 27538677 (cited by Clinical Genomics, Uppaluri K&H Personalized Medicine Clinic); PubMed 18981553 (cited by Clinical Genomics, Uppaluri K&H Personalized Medicine Clinic); PubMed 32027066 (cited by Clinical Genomics, Uppaluri K&H Personalized Medicine Clinic); PubMed 16613899 (cited by Clinical Genomics, Uppaluri K&H Personalized Medicine Clinic); PubMed 18025408 (cited by Clinical Genomics, Uppaluri K&H Personalized Medicine Clinic); PubMed 32792356 (cited by Clinical Genomics, Uppaluri K&H Personalized Medicine Clinic).